The following is an entry in ClinVar:

ClinVar aggregate classification (germline): Uncertain significance (1 of 4 stars; one submission).

Conditions:
RYR1-related disorder. Also called: RYR1-related condition; RYR1-related disorders. Identifiers: MedGen CN239331.

Submission:

Labcorp Genetics (formerly Invitae), Labcorp
Classification: Uncertain significance for RYR1-related disorder. Last evaluated: 2022-07-27. Review status: criteria provided, single submitter. Criteria: Invitae Variant Classification Sherloc (09022015). Collection method: clinical testing. Allele origin: germline.
Comment: Experimental studies and prediction algorithms are not available or were not evaluated, and the functional significance of this variant is currently unknown. This variant has not been reported in the literature in individuals affected with RYR1-related conditions. This variant is not present in population databases (gnomAD no frequency). This variant, c.884_889del, results in the deletion of 2 amino acid(s) of the RYR1 protein (p.Asp295_Gln296del), but otherwise preserves the integrity of the reading frame. In summary, the available evidence is currently insufficient to determine the role of this variant in disease. Therefore, it has been classified as a Variant of Uncertain Significance.

NM_000540.3(RYR1):c.884_889del (p.Asp295_Gln296del)

Gene: RYR1 (ryanodine receptor 1; plus strand). Cytogenetic location: 19q13.2.
Variant type: Deletion.
Coding change: c.884_889del on transcript NM_000540.3 (MANE Select); coding-DNA positions 884 to 889, 6 bases deleted (ACCAGG; older notation c.884_889delACCAGG).
Protein change: p.Asp295_Gln296del.
Molecular consequence: inframe deletion.
Genome position (GRCh38, 1-based): chr19:38,448,438-38,448,443, ACCAGG deleted; deleting any 6 consecutive bases within chr19:38,448,435-38,448,443 gives the same sequence; the c. name uses the placement nearest the transcript's 3' end. VCF-style (leftmost placement, unchanged base first): chr19-38448434-GAGGACC-G. GRCh37 (hg19) VCF-style: chr19-38939074-GAGGACC-G.
Other names: c.884_889del, p.Asp295_Gln296del (NM_001042723.2).
Identifiers: ClinVar variation 2011459 (VCV002011459.4), dbSNP rs2513995061, ClinGen allele CA2580096937.